The following is an entry in ClinVar:

NM_007294.4(BRCA1):c.5296del (p.Ile1766fs)

Gene: BRCA1 (BRCA1 DNA repair associated; minus strand). Cytogenetic location: 17q21.31.
Variant type: Deletion.
Coding change: c.5296del on transcript NM_007294.4 (MANE Select); coding-DNA position 5296, one base deleted (A; older notation c.5296delA).
Protein change: p.Ile1766fs; shifts the reading frame from isoleucine 1766.
Molecular consequence: frameshift variant. On other transcripts: non-coding transcript variant (1).
Genome position (GRCh38, 1-based): chr17:43,051,099, T deleted on the plus strand (A on the coding strand, the reverse complement: BRCA1 is on the minus strand); the first of 3 consecutive T bases (chr17:43,051,099-43,051,101); deleting any one gives the same sequence. VCF-style (leftmost placement, unchanged base first): chr17-43051098-AT-A. GRCh37 (hg19) VCF-style: chr17-41203115-AT-A.
Other names: c.5081delA, p.Ile1695Serfs (NM_001407571.1, NM_001407894.1, NM_001407895.1 and 12 more transcripts); c.5360delA, p.Ile1788Serfs (NM_001407581.1, NM_001407582.1); c.5357delA, p.Ile1787Serfs (NM_001407583.1, NM_001407585.1, NM_001407587.1); c.5354delA, p.Ile1786Serfs (NM_001407590.1, NM_001407591.1); c.5294delA, p.Ile1766Serfs (NM_001407593.1, NM_001407594.1, NM_001407596.1 and 6 more transcripts); c.5291delA, p.Ile1765Serfs (NM_001407610.1, NM_001407611.1, NM_001407612.1 and 17 more transcripts); c.5288delA, p.Ile1764Serfs (NM_001407627.1, NM_001407628.1, NM_001407629.1 and 14 more transcripts); c.5285delA, p.Ile1763Serfs (NM_001407644.1, NM_001407645.1); and 75 more; short protein forms I1719fs, I1766fs, I1787fs, I662fs.
Identifiers: ClinVar variation 1049053 (VCV001049053.2), dbSNP rs1555575732, ClinGen allele CA2499224359.
Genomic context (GRCh38, chr17:43,051,098, plus strand): 5'-CTCTGGGGTTCTCCCAGGCTCTTACCTGTGGGCATGTTGGTGAAGGGCCCATAGCAACAG[AT>A]TTCTAGCCCCCTGAAGATCTGGAAGAAGAGAGGAAGAGAGAGGGACAGGGGAATGGAGAG-3'

ClinVar aggregate classification (germline): Pathogenic (0 of 4 stars; one submission).

Conditions:
Breast-ovarian cancer, familial, susceptibility to, 1 (BROVCA1). Also called: BRCA1 Hereditary Breast and Ovarian Cancer; OVARIAN CANCER, SUSCEPTIBILITY TO. Identifiers: Orphanet 145, MedGen C2676676, MONDO:0011450, OMIM 604370. Disease mechanism: loss of function.

Submission:

Department of Pathology and Laboratory Medicine, Sinai Health System
Classification: Pathogenic for Breast-ovarian cancer, familial, susceptibility to, 1. Review status: no assertion criteria provided. Collection method: clinical testing. Allele origin: unknown. Affected: yes. Study: The Canadian Open Genetics Repository (COGR).
Comment: The BRCA1 p.(Ile1766Serfs*27) variant was not identified in the literature nor was it identified in the dbSNP, 1000genomes, COSMIC, or Clinvar databases. The variant was not identified in the following control databases: the Exome Aggregation Consortium (August 8th 2016), or the Genome Aggregation Database (Feb 27, 2017). The variant occurs outside of the splicing consensus sequence and in silico or computational prediction software programs (SpliceSiteFinder, MaxEntScan, NNSPLICE, GeneSplicer) do not predict a difference in splicing. The c.5296del variant is predicted to cause a frameshift, which alters the protein's amino acid sequence beginning at codon 1766 and leads to a premature stop codon at position 1793. This alteration is then predicted to result in a truncated or absent protein and loss of function. Loss of function variants of the BRCA1 gene are an established mechanism of disease in Hereditary Breast and Ovarian Cancer and is the type of variant expected to cause the disorder. Although this variant has not been reported in individuals with HBOC before similar variants (nonsense, frameshift) within the same exon are reported as pathogenic on ClinVar and by our laboratory. In summary, based on the above information this variant meets our laboratoryâ€šÃ„Ã´s criteria to be classified as pathogenic.